The following is an entry in ClinVar:

NM_021930.6(RINT1):c.1604G>A (p.Arg535Gln)

Gene: RINT1 (RAD50 interactor 1; plus strand). Cytogenetic location: 7q22.3.
Variant type: single nucleotide variant.
Coding change: c.1604G>A on transcript NM_021930.6 (MANE Select); coding-DNA position 1604, G replaced by A.
Protein change: p.Arg535Gln; replaces arginine 535 with glutamine.
Molecular consequence: missense variant.
Genome position (GRCh38, 1-based): chr7:105,555,160, G>A. VCF-style: chr7-105555160-G-A. GRCh37 (hg19) VCF-style: chr7-105195607-G-A.
Other names: c.1370G>A, p.Arg457Gln (NM_001346599.2); c.581G>A, p.Arg194Gln (NM_001346600.2, NM_001346603.2); c.680G>A, p.Arg227Gln (NM_001346601.2); c.1604G>A (NM_021930.4); short protein forms R194Q, R227Q, R457Q, R535Q.
Identifiers: ClinVar variation 1015106 (VCV001015106.12), dbSNP rs753924429, ClinGen allele CA4426715.
Genomic context (GRCh38, chr7:105,555,160, plus strand): 5'-ATTTTAGGATACGATTAACACAAGTGATGAAAGAAGAGACTAGAGCTTCCCTTGGCTTTC[G>A]ATACTGTGCAATTCTTAATGCTGTGAACTACATCTCAACAGTACTAGCAGATTGGGCTGA-3'
Protein context (NP_068749.3, residues 525-545): KEETRASLGF[Arg535Gln]YCAILNAVNY

ClinVar aggregate classification (germline): Uncertain significance. Review status: criteria provided, multiple submitters, no conflicts (2 of 4 stars). 2 submissions from 2 submitters: Uncertain significance (2). Last evaluated 2025-10-15.

Allele frequency attached by ClinVar (database versions not stated): gnomAD exomes below 0.00001; ExAC 0.00001.
gnomAD v4.1: 15 of 1,614,042 alleles (0.00093%); highest among the groups gnomAD compares: East Asian, 0.0022%; no homozygotes.

Submissions (2):

Ambry Genetics
Classification: Uncertain significance. Last evaluated: 2025-10-15. Review status: criteria provided, single submitter. Criteria: Ambry Variant Classification Scheme 2023. Collection method: clinical testing. Allele origin: germline.

Labcorp Genetics (formerly Invitae), Labcorp
Classification: Uncertain significance. Last evaluated: 2020-06-12. Review status: criteria provided, single submitter. Criteria: Invitae Variant Classification Sherloc (09022015). Collection method: clinical testing. Allele origin: germline.
Comment: This sequence change replaces arginine with glutamine at codon 535 of the RINT1 protein (p.Arg535Gln). The arginine residue is highly conserved and there is a small physicochemical difference between arginine and glutamine. Algorithms developed to predict the effect of missense changes on protein structure and function are either unavailable or do not agree on the potential impact of this missense change (SIFT: "Deleterious"; PolyPhen-2: "Possibly Damaging"; Align-GVGD: "Class C0"). In summary, the available evidence is currently insufficient to determine the role of this variant in disease. Therefore, it has been classified as a Variant of Uncertain Significance. This variant is present in population databases (rs753924429, ExAC 0.006%). This variant has not been reported in the literature in individuals with RINT1-related conditions.